The following is an entry in ClinVar:

ClinVar aggregate classification (germline): Pathogenic. Review status: criteria provided, single submitter (1 of 4 stars). 2 submissions from 2 submitters: Pathogenic (1). 1 of the submissions does not count toward it. Last evaluated 2023-03-27.

Conditions:
Basal ganglia calcification, idiopathic, childhood-onset (PFBC1B). Also called: IBGC childhood onset; Bilateral striopallidodentate calcinosis childhood-onset; Cerebral calcification nonarteriosclerotic idiopathic childhood-onset. Identifiers: Orphanet 51, MedGen C1861967, MONDO:0007247, OMIM 114100.

Submissions (2):

GeneDx
Classification: Pathogenic. Last evaluated: 2023-03-27. Review status: criteria provided, single submitter. Criteria: GeneDx Variant Classification Process June 2021. Collection method: clinical testing. Allele origin: germline. Affected: yes.
Comment: Reported heterozygous in mulitple members of a family with idiopathic basal ganglia calcification (IBGC) and homozygous in siblings with more severe early onset IBGC in published literature (Hsu et al., 2013; Ceylan et al., 2022); Canonical splice site variant predicted to result in a null allele in a gene for which loss of function is a known mechanism of disease; Not observed at significant frequency in large population cohorts (gnomAD); This variant is associated with the following publications: (PMID: 23334463, 25726928, 35881308)

OMIM
Classification: Pathogenic for PRIMARY FAMILIAL BRAIN CALCIFICATION 1B, CHILDHOOD-ONSET, AUTOSOMAL RECESSIVE. Last evaluated: 2026-11-13. Review status: no assertion criteria provided. Collection method: literature only. Allele origin: germline. Not counted in ClinVar's aggregate classification.

Literature cited by the submitters: PubMed 35881308 (cited by OMIM).

NM_001257180.2(SLC20A2):c.1794+1G>A

Gene: SLC20A2 (solute carrier family 20 member 2; minus strand). Cytogenetic location: 8p11.21.
Variant type: single nucleotide variant.
Coding change: c.1794+1G>A on transcript NM_001257180.2 (MANE Select); the canonical splice donor site of the intron after coding-DNA position 1794, G replaced by A.
Molecular consequence: splice donor variant.
Genome position (GRCh38, 1-based): chr8:42,428,757, C>T on the plus strand (G>A on the coding strand, the complement: SLC20A2 is on the minus strand). VCF-style: chr8-42428757-C-T. GRCh37 (hg19) VCF-style: chr8-42286275-C-T.
Other names: IVS10DS, G-A, +1; c.1794+1G>A (NM_006749.5, NM_001257181.2).
Identifiers: ClinVar variation 2582091 (VCV002582091.2), dbSNP rs1052304545, ClinGen allele CA371094958.